The following is an entry in ClinVar:

ClinVar aggregate classification (germline): Benign. Review status: criteria provided, multiple submitters, no conflicts (2 of 4 stars). 2 submissions from 2 submitters: Benign (2). Last evaluated 2018-01-12.

Conditions:
Stuve-Wiedemann syndrome (STWS). Also called: Stüve-Wiedemann syndrome. Identifiers: Orphanet 3206, MedGen C0796176, MONDO:0031280.

Allele frequency attached by ClinVar (database versions not stated): 1000 Genomes Project 0.03195; 1000 Genomes Project 30x 0.03279; TOPMed 0.05886; gnomAD 0.06553 and 0.06740; gnomAD exomes 0.07197.
gnomAD v4.1: 14,247 of 211,132 alleles (6.7%); highest among the groups gnomAD compares: Non-Finnish European, 9.9%; 672 homozygotes.

Submissions (2):

Illumina Laboratory Services, Illumina
Classification: Benign for Stüve-Wiedemann syndrome 1. Last evaluated: 2018-01-12. Review status: criteria provided, single submitter. Criteria: ICSL Variant Classification Criteria 13 December 2019. Collection method: clinical testing. Allele origin: germline.
Comment: This variant was observed in the ICSL laboratory as part of a predisposition screen in an ostensibly healthy population. It had not been previously curated by ICSL or reported in the Human Gene Mutation Database (HGMD: prior to June 1st, 2018), and was therefore a candidate for classification through an automated scoring system. Utilizing variant allele frequency, disease prevalence and penetrance estimates, and inheritance mode, an automated score was calculated to assess if this variant is too frequent to cause the disease. Based on the score and internal cut-off values, a variant classified as benign is not then subjected to further curation. The score for this variant resulted in a classification of benign for this disease.

Breakthrough Genomics
Classification: Benign. Review status: criteria provided, single submitter. Criteria: ACMG Guidelines, 2015. Collection method: not provided. Allele origin: germline. Inheritance: Autosomal recessive inheritance. Affected: yes.

NM_001127671.2(LIFR):c.*4854A>G

Gene: LIFR (LIF receptor subunit alpha; minus strand). Cytogenetic location: 5p13.1.
Variant type: single nucleotide variant.
Coding change: c.*4854A>G on transcript NM_001127671.2 (MANE Select); 4854 bases downstream of the stop codon, A replaced by G.
Molecular consequence: 3 prime UTR variant.
Genome position (GRCh38, 1-based): chr5:38,476,741, T>C on the plus strand (A>G on the coding strand, the complement: LIFR is on the minus strand). VCF-style: chr5-38476741-T-C. GRCh37 (hg19) VCF-style: chr5-38476843-T-C.
Other names: c.*4854A>G (NM_001364297.2, NM_001364298.2, NM_002310.6).
Identifiers: ClinVar variation 353544 (VCV000353544.6), dbSNP rs35853268, ClinGen allele CA10621819.